The following is an entry in ClinVar:

NM_001379110.1(SLC9A6):c.-57+21dup

Genes: SLC9A6 (solute carrier family 9 member A6; plus strand), LOC130068746 (ATAC-STARR-seq lymphoblastoid silent region 21025; plus strand). Cytogenetic location: Xq26.3.
Variant type: Duplication.
Coding change: c.-57+21dup on transcript NM_001379110.1 (MANE Select); 21 bases into the intron after 57 bases upstream of the start codon, one base duplicated (G; older notation c.-57+21dupG).
Molecular consequence: intron variant. On other transcripts: 5 prime UTR variant (3).
Genome position (GRCh38, 1-based): chrX:135,985,498, G duplicated; the last of 6 consecutive G bases (chrX:135,985,493-135,985,498); duplicating any one gives the same sequence. VCF-style (leftmost placement, unchanged base first): chrX-135985492-C-CG. GRCh37 (hg19) VCF-style: chrX-135067651-C-CG.
Other names: c.-5dup (NM_001042537.2, NM_006359.3); c.-35-126dup (NM_001400909.1); c.-56-105dup (NM_001400910.1, NM_001400911.1); c.-57+21dup (NM_001177651.2, NM_001400913.1); c.-57+26dup (NM_001400912.1, NM_001330652.2); c.-5dupG (NM_006359.3).
Identifiers: ClinVar variation 3896270 (VCV003896270.2).

ClinVar aggregate classification (germline): Uncertain significance (1 of 4 stars; one submission).

Submission:

Women's Health and Genetics/Laboratory Corporation of America, LabCorp
Classification: Uncertain significance. Last evaluated: 2025-04-15. Review status: criteria provided, single submitter. Criteria: LabCorp Variant Classification Summary - May 2015. Collection method: clinical testing. Allele origin: germline.
Comment: Variant summary: SLC9A6 c.-5dupG is located in the untranslated mRNA region upstream of the initiation codon. The variant allele was found at a frequency of 8.4e-06 in 1076302 control chromosomes including 4 hemizygotes. The available data on variant occurrences in the general population are insufficient to allow any conclusion about variant significance. To our knowledge, no occurrence of c.-5dupG in individuals affected with Christianson Syndrome and no experimental evidence demonstrating its impact on protein function have been reported. No submitters have cited clinical-significance assessments for this variant to ClinVar. Based on the evidence outlined above, the variant was classified as VUS-possibly benign.